The following is an entry in ClinVar:

NM_001130009.3(GEN1):c.68G>A (p.Gly23Asp)

Gene: GEN1 (GEN1 structure-specific endonuclease; plus strand). Cytogenetic location: 2p24.2.
Variant type: single nucleotide variant.
Coding change: c.68G>A on transcript NM_001130009.3 (MANE Select); coding-DNA position 68, G replaced by A.
Protein change: p.Gly23Asp; replaces glycine 23 with aspartic acid.
Molecular consequence: missense variant.
Genome position (GRCh38, 1-based): chr2:17,760,011, G>A. VCF-style: chr2-17760011-G-A. GRCh37 (hg19) VCF-style: chr2-17941278-G-A.
Other names: c.68G>A, p.Gly23Asp (NM_182625.5); short protein forms G23D.
Identifiers: ClinVar variation 4857982 (VCV004857982.1).

ClinVar aggregate classification (germline): Uncertain significance (1 of 4 stars; one submission).

Submission:

Ambry Genetics
Classification: Uncertain significance. Last evaluated: 2026-05-15. Review status: criteria provided, single submitter. Criteria: Ambry Variant Classification Scheme 2023. Collection method: clinical testing. Allele origin: germline.
Comment: The p.G23D variant (also known as c.68G>A), located in coding exon 1 of the GEN1 gene, results from a G to A substitution at nucleotide position 68. The glycine at codon 23 is replaced by aspartic acid, an amino acid with similar properties. This amino acid position is conserved. In addition, this alteration is predicted to be tolerated by in silico analysis. Based on the available evidence, the clinical significance of this variant remains unclear.